The following is an entry in ClinVar:

NM_021098.3(CACNA1H):c.3398G>A (p.Gly1133Asp)

Gene: CACNA1H (calcium voltage-gated channel subunit alpha1 H; plus strand). Cytogenetic location: 16p13.3.
Variant type: single nucleotide variant.
Coding change: c.3398G>A on transcript NM_021098.3 (MANE Select); coding-DNA position 3398, G replaced by A.
Protein change: p.Gly1133Asp; replaces glycine 1133 with aspartic acid.
Molecular consequence: missense variant.
Genome position (GRCh38, 1-based): chr16:1,209,066, G>A. VCF-style: chr16-1209066-G-A. GRCh37 (hg19) VCF-style: chr16-1259066-G-A.
Other names: c.3398G>A, p.Gly1133Asp (NM_001005407.2); short protein forms G1133D.
Identifiers: ClinVar variation 2922615 (VCV002922615.3), dbSNP rs1969107202, ClinGen allele CA394173301.

ClinVar aggregate classification (germline): Uncertain significance (1 of 4 stars; one submission).

Conditions:
Idiopathic generalized epilepsy. Also called: Generalised epilepsy; EIG. Identifiers: MedGen C0270850, MONDO:0005579, OMIM 600669.
Hyperaldosteronism, familial, type IV (HALD4). Also called: FH IV; ALDOSTERONISM, PRIMARY, AND HYPERTENSION. Identifiers: Orphanet 642671, MedGen C4310756, MONDO:0014875, OMIM 617027.

Allele frequency attached by ClinVar (database versions not stated): TOPMed below 0.00001.

Submission:

Labcorp Genetics (formerly Invitae), Labcorp
Classification: Uncertain significance for Idiopathic generalized epilepsy; Hyperaldosteronism, familial, type IV. Last evaluated: 2024-11-04. Review status: criteria provided, single submitter. Criteria: Invitae Variant Classification Sherloc (09022015). Collection method: clinical testing. Allele origin: germline.
Comment: This sequence change replaces glycine, which is neutral and non-polar, with aspartic acid, which is acidic and polar, at codon 1133 of the CACNA1H protein (p.Gly1133Asp). This variant is not present in population databases (gnomAD no frequency). This variant has not been reported in the literature in individuals affected with CACNA1H-related conditions. ClinVar contains an entry for this variant (Variation ID: 2922615). Invitae Evidence Modeling of protein sequence and biophysical properties (such as structural, functional, and spatial information, amino acid conservation, physicochemical variation, residue mobility, and thermodynamic stability) indicates that this missense variant is not expected to disrupt CACNA1H protein function with a negative predictive value of 80%. In summary, the available evidence is currently insufficient to determine the role of this variant in disease. Therefore, it has been classified as a Variant of Uncertain Significance.